The following is an entry in ClinVar:

ClinVar aggregate classification (germline): Conflicting classifications of pathogenicity. Review status: criteria provided, conflicting classifications (1 of 4 stars). 3 submissions from 3 submitters: Uncertain significance (2); Likely benign (1). Last evaluated 2025-04-08.

Allele frequency attached by ClinVar (database versions not stated): TOPMed 0.00003; ExAC 0.00005; gnomAD exomes 0.00006; gnomAD 0.00011; 1000 Genomes Project 30x 0.00016; 1000 Genomes Project 0.00020.
gnomAD v4.1: 104 of 1,607,126 alleles (0.0065%); highest among the groups gnomAD compares: Admixed American, 0.033%; no homozygotes.

Submissions (3):

Mayo Clinic Laboratories, Mayo Clinic
Classification: Uncertain significance. Last evaluated: 2025-04-08. Review status: criteria provided, single submitter. Criteria: ACMG Guidelines, 2015. Collection method: clinical testing. Allele origin: germline. Observed: 1 variant allele.
Comment: BP4_moderate

Labcorp Genetics (formerly Invitae), Labcorp
Classification: Uncertain significance. Last evaluated: 2023-08-17. Review status: criteria provided, single submitter. Criteria: Invitae Variant Classification Sherloc (09022015). Collection method: clinical testing. Allele origin: germline.
Comment: Advanced modeling of protein sequence and biophysical properties (such as structural, functional, and spatial information, amino acid conservation, physicochemical variation, residue mobility, and thermodynamic stability) performed at Invitae indicates that this missense variant is not expected to disrupt SPTBN2 protein function. In summary, the available evidence is currently insufficient to determine the role of this variant in disease. Therefore, it has been classified as a Variant of Uncertain Significance. ClinVar contains an entry for this variant (Variation ID: 305565). This sequence change replaces arginine, which is basic and polar, with glutamine, which is neutral and polar, at codon 1144 of the SPTBN2 protein (p.Arg1144Gln). This variant is present in population databases (rs558572111, gnomAD 0.02%). This variant has not been reported in the literature in individuals affected with SPTBN2-related conditions.

Athena Diagnostics
Classification: Likely benign. Last evaluated: 2018-03-26. Review status: criteria provided, single submitter. Criteria: Athena Diagnostics Criteria. Collection method: clinical testing. Allele origin: germline.

NM_006946.4(SPTBN2):c.3431G>A (p.Arg1144Gln)

Gene: SPTBN2 (spectrin beta, non-erythrocytic 2; minus strand). Cytogenetic location: 11q13.2.
Variant type: single nucleotide variant.
Coding change: c.3431G>A on transcript NM_006946.4 (MANE Select); coding-DNA position 3431, G replaced by A.
Protein change: p.Arg1144Gln; replaces arginine 1144 with glutamine.
Molecular consequence: missense variant.
Genome position (GRCh38, 1-based): chr11:66,700,668, C>T on the plus strand (G>A on the coding strand, the complement: SPTBN2 is on the minus strand). VCF-style: chr11-66700668-C-T. GRCh37 (hg19) VCF-style: chr11-66468139-C-T.
Other names: p.Arg1144Gln; c.3431G>A (NM_006946.3); short protein forms R1144Q.
Identifiers: ClinVar variation 305565 (VCV000305565.9), dbSNP rs558572111, ClinGen allele CA6128867.